The following is an entry in ClinVar:

NM_000138.5(FBN1):c.3974A>C (p.Glu1325Ala)

Gene: FBN1 (fibrillin 1; minus strand). Cytogenetic location: 15q21.1.
Variant type: single nucleotide variant.
Coding change: c.3974A>C on transcript NM_000138.5 (MANE Select); coding-DNA position 3974, A replaced by C.
Protein change: p.Glu1325Ala; replaces glutamic acid 1325 with alanine.
Molecular consequence: missense variant.
Genome position (GRCh38, 1-based): chr15:48,474,641, T>G on the plus strand (A>C on the coding strand, the complement: FBN1 is on the minus strand). VCF-style: chr15-48474641-T-G. GRCh37 (hg19) VCF-style: chr15-48766838-T-G.
Other names: p.E1325A:GAA>GCA; short protein forms E1325A.
Identifiers: ClinVar variation 200185 (VCV000200185.9), dbSNP rs794728331, ClinGen allele CA014669.
Genomic context (GRCh38, chr15:48,474,641, plus strand): 5'-CTTCCTGCTGTATTGGTACATACAGCATGTTTGCCACAGTTGTGTGCTCCAATTTCACAT[T>G]CATTGATGTCTGGAAAAATGAGCAGTGATTTAGAAAAAGGCTCAGCACAAATGTCTTTTG-3'
Protein context (NP_000129.3, residues 1315-1335): KGKTGCTDIN[Glu1325Ala]CEIGAHNCGK

ClinVar aggregate classification (germline): Conflicting classifications of pathogenicity. Review status: criteria provided, conflicting classifications (1 of 4 stars). 3 submissions from 3 submitters: Pathogenic (1); Likely pathogenic (1); Uncertain significance (1). Last evaluated 2025-11-12.

Conditions:
Marfan syndrome (MFS). Also called: MARFAN SYNDROME, TYPE I; FBN1-Related Marfan Syndrome; Marfan syndrome, classic; Marfan syndrome type 1; Marfan's syndrome. Identifiers: Orphanet 284963, Orphanet 558, MedGen C0024796, MONDO:0007947, OMIM 154700.
Familial thoracic aortic aneurysm and aortic dissection (TAAD). Also called: Thoracic aortic aneurysms and dissections. Identifiers: Orphanet 91387, MedGen C4707243, MONDO:0019625.

Submissions (3):

Labcorp Genetics (formerly Invitae), Labcorp
Classification: Uncertain significance for Marfan syndrome; Familial thoracic aortic aneurysm and aortic dissection. Last evaluated: 2025-11-12. Review status: criteria provided, single submitter. Criteria: Invitae Variant Classification Sherloc (09022015). Collection method: clinical testing. Allele origin: germline.
Comment: This sequence change replaces glutamic acid, which is acidic and polar, with alanine, which is neutral and non-polar, at codon 1325 of the FBN1 protein (p.Glu1325Ala). This variant is not present in population databases (gnomAD no frequency). This missense change has been observed in individual(s) with clinical features of Marfan syndrome (internal data). ClinVar contains an entry for this variant (Variation ID: 200185). Invitae Evidence Modeling of protein sequence and biophysical properties (such as structural, functional, and spatial information, amino acid conservation, physicochemical variation, residue mobility, and thermodynamic stability) indicates that this missense variant is expected to disrupt FBN1 protein function with a positive predictive value of 95%. This variant disrupts the p.Glu1325 amino acid residue in FBN1. Other variant(s) that disrupt this residue have been observed in individuals with FBN1-related conditions (PMID: 14695540; internal data), which suggests that this may be a clinically significant amino acid residue. In summary, the available evidence is currently insufficient to determine the role of this variant in disease. Therefore, it has been classified as a Variant of Uncertain Significance.

Center for Human Genetics, Inc
Classification: Likely pathogenic for Marfan syndrome. Last evaluated: 2016-11-01. Review status: criteria provided, single submitter. Criteria: ACMG Guidelines, 2015. Collection method: clinical testing. Allele origin: germline. Affected: yes.

GeneDx
Classification: Pathogenic. Last evaluated: 2014-09-25. Review status: criteria provided, single submitter. Criteria: GeneDx Variant Classification (06012015). Collection method: clinical testing. Allele origin: germline. Affected: yes.
Comment: p.Glu1325Ala (GAA>GCA): c.3974 A>C in exon 33 of the FBN1 gene (NM_000138.4) While the E1325A mutation in the FBN1 gene has not been reported to our knowledge, a mutation affecting this same residue, (E1325Q), has been reported in association with Marfan syndrome (Biggin A et al., 2004). Additionally, mutations in nearby residues (D1322H, D1322G, C1326R, C1333S ) have been reported in association with Marfan syndrome, further supporting the functional importance of this residue and this region of the protein. E1325A, within EGF - like calcium binding domain 22 of FBN1, results in a non- conservative amino acid substitution, which is likely to impact secondary protein structure as these residues differ in polarity, charge, size and/or other properties. The E1325 residue is highly conserved across species. In silico analysis predicts this variant is probably damaging to the protein structure/function. Furthermore, E1325A was not observed in approximately 6,500 individuals of European and African American ancestry in the NHLBI Exome Sequencing Project, indicating it is not a common benign variant in these populations. In summary, E1325A in the FBN1 gene is interpreted as a likely disease-causing mutation. The variant is found in TAAD panel(s).

Literature cited by the submitters: PubMed 14695540 (cited by Labcorp Genetics (formerly Invitae), Labcorp).